The following is an entry in ClinVar:

NM_001367624.2(ZNF469):c.11284G>A (p.Ala3762Thr)

Gene: ZNF469 (zinc finger protein 469; plus strand). Cytogenetic location: 16q24.2.
Variant type: single nucleotide variant.
Coding change: c.11284G>A on transcript NM_001367624.2 (MANE Select); coding-DNA position 11284, G replaced by A.
Protein change: p.Ala3762Thr; replaces alanine 3762 with threonine.
Molecular consequence: missense variant.
Genome position (GRCh38, 1-based): chr16:88,438,754, G>A. VCF-style: chr16-88438754-G-A. GRCh37 (hg19) VCF-style: chr16-88505162-G-A.
Other names: NM_001127464.1:c.11200G>A; short protein forms A3762T.
Identifiers: ClinVar variation 1797525 (VCV001797525.2), dbSNP rs2507608722, ClinGen allele CA397129604.

ClinVar aggregate classification (germline): Uncertain significance (1 of 4 stars; one submission).

Conditions:
Cardiovascular phenotype. Identifiers: MedGen CN230736.

Submission:

Ambry Genetics
Classification: Uncertain significance for Cardiovascular phenotype. Last evaluated: 2021-10-29. Review status: criteria provided, single submitter. Criteria: Ambry Variant Classification Scheme 2023. Collection method: clinical testing. Allele origin: germline.
Comment: The p.A3734T variant (also known as c.11200G>A), located in coding exon 2 of the ZNF469 gene, results from a G to A substitution at nucleotide position 11200. The alanine at codon 3734 is replaced by threonine, an amino acid with similar properties. This amino acid position is conserved. In addition, this alteration is predicted to be tolerated by in silico analysis. Since supporting evidence is limited at this time, the clinical significance of this alteration remains unclear.